The following is an entry in ClinVar:

NM_000018.4(ACADVL):c.343G>T (p.Glu115Ter)

Gene: ACADVL (acyl-CoA dehydrogenase very long chain; plus strand). Cytogenetic location: 17p13.1.
Variant type: single nucleotide variant.
Coding change: c.343G>T on transcript NM_000018.4 (MANE Select); coding-DNA position 343, G replaced by T.
Protein change: p.Glu115Ter; replaces glutamic acid 115 with a stop codon.
Molecular consequence: nonsense.
Genome position (GRCh38, 1-based): chr17:7,220,924, G>T. VCF-style: chr17-7220924-G-T. GRCh37 (hg19) VCF-style: chr17-7124243-G-T.
Other names: NM_000018.4(ACADVL):c.343G>T; p.Glu115Ter; c.277G>T, p.Glu93Ter (NM_001033859.3); c.412G>T, p.Glu138Ter (NM_001270447.2); c.115G>T, p.Glu39Ter (NM_001270448.2); short protein forms E39*, E115*, E93*, E138*.
Identifiers: ClinVar variation 932735 (VCV000932735.5), dbSNP rs370146676, ClinGen allele CA397722699.

ClinVar aggregate classification (germline): Likely pathogenic. Review status: reviewed by expert panel (3 of 4 stars). 2 submissions from 2 submitters: Likely pathogenic (1). 1 of the submissions does not count toward it. Last evaluated 2024-02-27.

Conditions:
Very long chain acyl-CoA dehydrogenase deficiency (ACADVLD). Also called: Very Long-Chain Acyl-Coenzyme A Dehydrogenase Deficiency; VLCAD Deficiency. Identifiers: Orphanet 26793, MedGen C3887523, MONDO:0008723, OMIM 201475.

Submissions (2):

ClinGen ACADVL Variant Curation Expert Panel, ClinGen
Classification: Likely pathogenic for Very long chain acyl-CoA dehydrogenase deficiency. Last evaluated: 2024-02-27. Review status: reviewed by expert panel. Criteria: clingen acadvl acmg specifications v1. Collection method: curation. Allele origin: germline. Inheritance: Autosomal recessive inheritance.
Comment: The NM_000018.4(ACADVL): c.343G>T (p.Glu115Ter) variant in ACADVL is a nonsense variant predicted to cause a premature stop codon in biologically relevant exon 6/20 leading to nonsense mediated decay in a gene in which loss-of-function is an established disease mechanism (PVS1: PMIDs 9973285, 11590124). This variant is absent from gnomAD v2.1.1 (PM2_Supporting). To our knowledge, this variant has not been reported in the literature in any individuals with VLCADD. The ACADVL Variant Curation Expert Panel VCEP classified the variant as likely pathogenic based on PVS1+PM2_supporting (ACADVL VCEP specifications version 1; approved November 9, 2021). This variant was originally curated November 16, 2021 and the recurated classification was approved by the expert panel on February 27, 2024.

Wong Mito Lab, Molecular and Human Genetics, Baylor College of Medicine
Classification: Pathogenic for Very long chain acyl-CoA dehydrogenase deficiency. Last evaluated: 2019-11-01. Review status: criteria provided, single submitter. Criteria: ACMG Guidelines, 2015. Collection method: clinical testing. Allele origin: germline. Not counted in ClinVar's aggregate classification.
Comment: The NM_000018.3:c.343G>T (NP_000009.1:p.Glu115Ter) [GRCH38: NC_000017.11:g.7220924G>T] variant in ACADVL gene is interpretated to be Pathogenic based on ACMG guidelines (PMID: 25741868). This variant has been reported. This variant meets the following evidence codes reported in the ACMG guidelines: PVS1, PS3